The following is an entry in ClinVar:

NM_014975.3(MAST1):c.1484_1485del (p.His495fs)

Gene: MAST1 (microtubule associated serine/threonine kinase 1; plus strand). Cytogenetic location: 19p13.13.
Variant type: Deletion.
Coding change: c.1484_1485del on transcript NM_014975.3 (MANE Select); coding-DNA positions 1484 to 1485, 2 bases deleted (AC; older notation c.1484_1485delAC).
Protein change: p.His495fs; shifts the reading frame from histidine 495.
Molecular consequence: frameshift variant.
Genome position (GRCh38, 1-based): chr19:12,864,926-12,864,927, AC deleted; deleting any 2 consecutive bases within chr19:12,864,925-12,864,927 gives the same sequence; the c. name uses the placement nearest the transcript's 3' end. VCF-style (leftmost placement, unchanged base first): chr19-12864924-GCA-G. GRCh37 (hg19) VCF-style: chr19-12975738-GCA-G.
Other names: short protein forms H495fs.
Identifiers: ClinVar variation 3661104 (VCV003661104.2).

ClinVar aggregate classification (germline): Uncertain significance (1 of 4 stars; one submission).

Submission:

Labcorp Genetics (formerly Invitae), Labcorp
Classification: Uncertain significance. Last evaluated: 2024-08-02. Review status: criteria provided, single submitter. Criteria: Invitae Variant Classification Sherloc (09022015). Collection method: clinical testing. Allele origin: germline.
Comment: This sequence change creates a premature translational stop signal (p.His495Profs*6) in the MAST1 gene. It is expected to result in an absent or disrupted protein product. However, the current clinical and genetic evidence is not sufficient to establish whether loss-of-function variants in MAST1 cause disease. This variant is not present in population databases (gnomAD no frequency). This variant has not been reported in the literature in individuals affected with MAST1-related conditions. In summary, the available evidence is currently insufficient to determine the role of this variant in disease. Therefore, it has been classified as a Variant of Uncertain Significance.